The following is an entry in ClinVar:

NM_002314.4(LIMK1):c.1739T>A (p.Phe580Tyr)

Gene: LIMK1 (LIM domain kinase 1; plus strand). Cytogenetic location: 7q11.23.
Variant type: single nucleotide variant.
Coding change: c.1739T>A on transcript NM_002314.4 (MANE Select); coding-DNA position 1739, T replaced by A.
Protein change: p.Phe580Tyr; replaces phenylalanine 580 with tyrosine.
Molecular consequence: missense variant.
Genome position (GRCh38, 1-based): chr7:74,121,007, T>A. VCF-style: chr7-74121007-T-A. GRCh37 (hg19) VCF-style: chr7-73535337-T-A.
Other names: c.1637T>A, p.Phe546Tyr (NM_001204426.2); short protein forms F546Y, F580Y.
Identifiers: ClinVar variation 731523 (VCV000731523.8), dbSNP rs178412, ClinGen allele CA4294072.

ClinVar aggregate classification (germline): Conflicting classifications of pathogenicity. Review status: criteria provided, conflicting classifications (1 of 4 stars). 3 submissions from 3 submitters: Uncertain significance (1); Likely benign (1). 1 of the submissions does not count toward it. Last evaluated 2022-03-29.

Conditions:
LIMK1-related disorder. Also called: LIMK1-related condition.

Allele frequency attached by ClinVar (database versions not stated): 1000 Genomes Project 0.00020; ExAC 0.00027; TOPMed 0.00030; 1000 Genomes Project 30x 0.00031; gnomAD 0.00039; gnomAD exomes 0.00040 and 0.00044; ESP Exome Variant Server 0.00046.
gnomAD v4.1: 686 of 1,566,928 alleles (0.044%); highest among the groups gnomAD compares: Non-Finnish European, 0.045%; 1 homozygote.

Submissions (3):

Ambry Genetics
Classification: Uncertain significance. Last evaluated: 2022-03-29. Review status: criteria provided, single submitter. Criteria: Ambry Variant Classification Scheme 2023. Collection method: clinical testing. Allele origin: germline.

Labcorp Genetics (formerly Invitae), Labcorp
Classification: Likely benign. Last evaluated: 2018-07-15. Review status: criteria provided, single submitter. Criteria: Invitae Variant Classification Sherloc (09022015). Collection method: clinical testing. Allele origin: germline.

PreventionGenetics, part of Exact Sciences
Classification: Likely benign for LIMK1-related condition. Last evaluated: 2024-02-21. Review status: no assertion criteria provided. Collection method: clinical testing. Allele origin: germline. Not counted in ClinVar's aggregate classification.
Comment: This variant is classified as likely benign based on ACMG/AMP sequence variant interpretation guidelines (Richards et al. 2015 PMID: 25741868, with internal and published modifications).